The following is an entry in ClinVar:

ClinVar aggregate classification (germline): Likely pathogenic (1 of 4 stars; one submission).

Conditions:
Intellectual developmental disorder, autosomal recessive 58. Also called: Intellectual disability, autosomal recessive 58. Identifiers: MedGen C4310641, MONDO:0014996, OMIM 617270.

gnomAD v4.1: 11 of 1,585,916 alleles (0.00069%); highest among the groups gnomAD compares: East Asian, 0.0045%; no homozygotes.

Submission:

3billion
Classification: Likely pathogenic for Intellectual developmental disorder, autosomal recessive 58. Last evaluated: 2024-09-20. Review status: criteria provided, single submitter. Criteria: ACMG Guidelines, 2015. Collection method: clinical testing. Allele origin: germline. Affected: yes.
Comment: The variant is observed at an extremely low frequency in the gnomAD v4.0.0 dataset (total allele frequency: <0.001%). Predicted Consequence/Location: Stop-gained (nonsense): predicted to result in a loss or disruption of normal protein function through nonsense-mediated decay (NMD) or protein truncation. Multiple pathogenic variants are reported downstream of the variant. Therefore, this variant is classified as Likely pathogenic according to the recommendation of ACMG/AMP guideline.

NM_018255.4(ELP2):c.2065C>T (p.Arg689Ter)

Gene: ELP2 (elongator acetyltransferase complex subunit 2; plus strand). Cytogenetic location: 18q12.2.
Variant type: single nucleotide variant.
Coding change: c.2065C>T on transcript NM_018255.4 (MANE Select); coding-DNA position 2065, C replaced by T.
Protein change: p.Arg689Ter; replaces arginine 689 with a stop codon.
Molecular consequence: nonsense. On other transcripts: non-coding transcript variant (4).
Genome position (GRCh38, 1-based): chr18:36,167,211, C>T. VCF-style: chr18-36167211-C-T. GRCh37 (hg19) VCF-style: chr18-33747174-C-T.
Other names: c.2260C>T, p.Arg754Ter (NM_001242875.3); c.2050C>T, p.Arg684Ter (NM_001242876.3); c.1987C>T, p.Arg663Ter (NM_001242877.3); c.1855C>T, p.Arg619Ter (NM_001242878.3, NM_001242879.3); c.1933C>T, p.Arg645Ter (NM_001324465.2); c.2182C>T, p.Arg728Ter (NM_001324466.2); c.1915C>T, p.Arg639Ter (NM_001324467.2); c.1618C>T, p.Arg540Ter (NM_001324468.2); short protein forms R540*, R619*, R639*, R645*, R663*, R684*, R689*, R728*.
Identifiers: ClinVar variation 4292434 (VCV004292434.1).